The following is an entry in ClinVar:

ClinVar aggregate classification (germline): Benign. Review status: criteria provided, multiple submitters, no conflicts (2 of 4 stars). 2 submissions from 2 submitters: Benign (2). Last evaluated 2020-01-28.

Conditions:
Joubert syndrome 3 (JBTS3). Also called: AHI1-related Ciliopathy. Identifiers: Orphanet 220493, MedGen C1837713, MONDO:0012078, OMIM 608629.

Allele frequency attached by ClinVar (database versions not stated): gnomAD 0.29969 and 0.29491; 1000 Genomes Project 30x 0.30184; ExAC 0.50000; TOPMed 0.29337; gnomAD exomes 0.39718 and 0.39891; 1000 Genomes Project 0.30112.

Submissions (2):

GeneDx
Classification: Benign. Last evaluated: 2020-01-28. Review status: criteria provided, single submitter. Criteria: GeneDx Variant Classification Process June 2021. Collection method: clinical testing. Allele origin: germline. Affected: yes.

Illumina Laboratory Services, Illumina
Classification: Benign for Joubert syndrome 3. Last evaluated: 2018-01-13. Review status: criteria provided, single submitter. Criteria: ICSL Variant Classification Criteria 13 December 2019. Collection method: clinical testing. Allele origin: germline.
Comment: This variant was observed in the ICSL laboratory as part of a predisposition screen in an ostensibly healthy population. It had not been previously curated by ICSL or reported in the Human Gene Mutation Database (HGMD: prior to June 1st, 2018), and was therefore a candidate for classification through an automated scoring system. Utilizing variant allele frequency, disease prevalence and penetrance estimates, and inheritance mode, an automated score was calculated to assess if this variant is too frequent to cause the disease. Based on the score and internal cut-off values, a variant classified as benign is not then subjected to further curation. The score for this variant resulted in a classification of benign for this disease.

NM_017651.4(AHI1):c.-293G>T

Gene: AHI1 (Abelson helper integration site 1; minus strand). Cytogenetic location: 6q23.3.
Variant type: single nucleotide variant.
Coding change: c.-293G>T on transcript NM_017651.4; 293 bases upstream of the start codon, G replaced by T.
Genome position (GRCh38, 1-based): chr6:135,497,759, C>A on the plus strand (G>T on the coding strand, the complement: AHI1 is on the minus strand). VCF-style: chr6-135497759-C-A. GRCh37 (hg19) VCF-style: chr6-135818897-C-A.
Identifiers: ClinVar variation 355518 (VCV000355518.9), dbSNP rs13197384, ClinGen allele CA4012996.